The following is an entry in ClinVar:

ClinVar aggregate classification (germline): Uncertain significance (1 of 4 stars; one submission).

Allele frequency attached by ClinVar (database versions not stated): TOPMed below 0.00001.

Submission:

Labcorp Genetics (formerly Invitae), Labcorp
Classification: Uncertain significance. Last evaluated: 2024-01-22. Review status: criteria provided, single submitter. Criteria: Invitae Variant Classification Sherloc (09022015). Collection method: clinical testing. Allele origin: germline.
Comment: This sequence change replaces glycine, which is neutral and non-polar, with glutamic acid, which is acidic and polar, at codon 410 of the UGT1A1 protein (p.Gly410Glu). This variant is not present in population databases (gnomAD no frequency). This variant has not been reported in the literature in individuals affected with UGT1A1-related conditions. Advanced modeling of protein sequence and biophysical properties (such as structural, functional, and spatial information, amino acid conservation, physicochemical variation, residue mobility, and thermodynamic stability) performed at Invitae indicates that this missense variant is expected to disrupt UGT1A1 protein function with a positive predictive value of 80%. In summary, the available evidence is currently insufficient to determine the role of this variant in disease. Therefore, it has been classified as a Variant of Uncertain Significance.

NM_000463.3(UGT1A1):c.1229G>A (p.Gly410Glu)

Genes: UGT1A10 (UDP glucuronosyltransferase family 1 member A10; plus strand), UGT1A3 (UDP glucuronosyltransferase family 1 member A3; plus strand), UGT1A (UDP glucuronosyltransferase family 1 member A complex locus; plus strand), UGT1A1 (UDP glucuronosyltransferase family 1 member A1; plus strand), UGT1A4 (UDP glucuronosyltransferase family 1 member A4; plus strand) and 5 more. Cytogenetic location: 2q37.1.
Variant type: single nucleotide variant.
Coding change: c.1229G>A on transcript NM_000463.3 (MANE Select); coding-DNA position 1229, G replaced by A.
Protein change: p.Gly410Glu; replaces glycine 410 with glutamic acid.
Molecular consequence: missense variant.
Genome position (GRCh38, 1-based): chr2:233,768,364, G>A. VCF-style: chr2-233768364-G-A. GRCh37 (hg19) VCF-style: chr2-234677010-G-A.
Other names: c.1220G>A, p.Gly407Glu (NM_019075.4, NM_019076.5, NM_019077.3 and 1 more transcripts); c.1226G>A, p.Gly409Glu (NM_001072.4); c.425G>A, p.Gly142Glu (NM_205862.3); c.1232G>A, p.Gly411Glu (NM_019078.2, NM_007120.3, NM_019093.4); short protein forms G411E, G407E, G142E, G409E, G410E.
Identifiers: ClinVar variation 2898004 (VCV002898004.3), dbSNP rs1444362528, ClinGen allele CA351074990.
Genomic context (GRCh38, chr2:233,768,364, plus strand): 5'-TGATGCCCTTGTTTGGTGATCAGATGGACAATGCAAAGCGCATGGAGACTAAGGGAGCTG[G>A]AGTGACCCTGAATGTTCTGGAAATGACTTCTGAAGATTTAGAAAATGCTCTAAAAGCAGT-3'
Protein context (NP_000454.1, residues 400-420): NAKRMETKGA[Gly410Glu]VTLNVLEMTS